The following is an entry in ClinVar:

ClinVar aggregate classification (germline): Uncertain significance (1 of 4 stars; one submission).

Conditions:
Giant axonal neuropathy 1 (GAN1). Also called: GAN-Related Neurodegeneration; GIANT AXONAL NEUROPATHY 1, AUTOSOMAL RECESSIVE. Identifiers: Orphanet 643, MedGen C1850386, MONDO:0009749, OMIM 256850.

gnomAD v4.1: 1 of 1,613,750 alleles (0.000062%); highest among the groups gnomAD compares: Non-Finnish European, 0.000085%; no homozygotes.

Submission:

Labcorp Genetics (formerly Invitae), Labcorp
Classification: Uncertain significance for Giant axonal neuropathy 1. Last evaluated: 2021-08-02. Review status: criteria provided, single submitter. Criteria: Invitae Variant Classification Sherloc (09022015). Collection method: clinical testing. Allele origin: germline.
Comment: This sequence change replaces glutamic acid with glutamine at codon 180 of the GAN protein (p.Glu180Gln). The glutamic acid residue is highly conserved and there is a small physicochemical difference between glutamic acid and glutamine. In summary, the available evidence is currently insufficient to determine the role of this variant in disease. Therefore, it has been classified as a Variant of Uncertain Significance. Algorithms developed to predict the effect of missense changes on protein structure and function are either unavailable or do not agree on the potential impact of this missense change (SIFT: "Tolerated"; PolyPhen-2: "Possibly Damaging"; Align-GVGD: "Class C0"). This variant has not been reported in the literature in individuals with GAN-related conditions. This variant is not present in population databases (ExAC no frequency).

NM_022041.4(GAN):c.538G>C (p.Glu180Gln)

Gene: GAN (gigaxonin; plus strand). Cytogenetic location: 16q23.2.
Variant type: single nucleotide variant.
Coding change: c.538G>C on transcript NM_022041.4 (MANE Select); coding-DNA position 538, G replaced by C.
Protein change: p.Glu180Gln; replaces glutamic acid 180 with glutamine.
Molecular consequence: missense variant. On other transcripts: 5 prime UTR variant (1).
Genome position (GRCh38, 1-based): chr16:81,354,660, G>C. VCF-style: chr16-81354660-G-C. GRCh37 (hg19) VCF-style: chr16-81388265-G-C.
Other names: c.-102G>C (NM_001377486.1); short protein forms E180Q.
Identifiers: ClinVar variation 1519613 (VCV001519613.8), dbSNP rs768074318, ClinGen allele CA284303709.